The following is an entry in ClinVar:

NM_001122681.2(SH3BP2):c.*6979A>G

Gene: SH3BP2 (SH3 domain binding protein 2; plus strand). Cytogenetic location: 4p16.3.
Variant type: single nucleotide variant.
Coding change: c.*6979A>G on transcript NM_001122681.2 (MANE Select); 6979 bases downstream of the stop codon, A replaced by G.
Molecular consequence: 3 prime UTR variant.
Genome position (GRCh38, 1-based): chr4:2,840,813, A>G. VCF-style: chr4-2840813-A-G. GRCh37 (hg19) VCF-style: chr4-2842540-A-G.
Other names: c.*6979A>G (LRG_1334t2, LRG_1334t1, NM_001145855.2 and 2 more transcripts).
Identifiers: ClinVar variation 348715 (VCV000348715.6), dbSNP rs79599795, ClinGen allele CA10617727.
Genomic context (GRCh38, chr4:2,840,813, plus strand): 5'-TTGATAGTTTGGGAATTTATTATAGCTATCAATCAGTTTTGGGAAAATTGACGTCTTTAC[A>G]ATATTGAGTTTTCTGATTCATGAACATGGTTTACCTCTCTTTCCATTTGGGTCTTCTTTA-3'

ClinVar aggregate classification (germline): Benign. Review status: criteria provided, multiple submitters, no conflicts (2 of 4 stars). 2 submissions from 2 submitters: Benign (2). Last evaluated 2018-01-12.

Conditions:
Fibrous dysplasia of jaw (CRBM). Also called: Cherubism. Identifiers: Orphanet 184, MedGen C0008029, MONDO:0007315, OMIM 118400.

Allele frequency attached by ClinVar (database versions not stated): 1000 Genomes Project 0.00379; gnomAD 0.00393 and 0.00411; 1000 Genomes Project 30x 0.00422; TOPMed 0.00504.

Submissions (2):

Illumina Laboratory Services, Illumina
Classification: Benign for Fibrous dysplasia of jaw. Last evaluated: 2018-01-12. Review status: criteria provided, single submitter. Criteria: ICSL Variant Classification Criteria 13 December 2019. Collection method: clinical testing. Allele origin: germline.
Comment: This variant was observed in the ICSL laboratory as part of a predisposition screen in an ostensibly healthy population. It had not been previously curated by ICSL or reported in the Human Gene Mutation Database (HGMD: prior to June 1st, 2018), and was therefore a candidate for classification through an automated scoring system. Utilizing variant allele frequency, disease prevalence and penetrance estimates, and inheritance mode, an automated score was calculated to assess if this variant is too frequent to cause the disease. Based on the score and internal cut-off values, a variant classified as benign is not then subjected to further curation. The score for this variant resulted in a classification of benign for this disease.

Breakthrough Genomics
Classification: Benign. Review status: criteria provided, single submitter. Criteria: ACMG Guidelines, 2015. Collection method: not provided. Allele origin: germline. Inheritance: Autosomal dominant inheritance. Affected: yes.